The following is an entry in ClinVar:

NM_001042492.3(NF1):c.500G>C (p.Cys167Ser)

Gene: NF1 (neurofibromin 1; plus strand). Cytogenetic location: 17q11.2.
Variant type: single nucleotide variant.
Coding change: c.500G>C on transcript NM_001042492.3 (MANE Select); coding-DNA position 500, G replaced by C.
Protein change: p.Cys167Ser; replaces cysteine 167 with serine.
Molecular consequence: missense variant.
Genome position (GRCh38, 1-based): chr17:31,169,911, G>C. VCF-style: chr17-31169911-G-C. GRCh37 (hg19) VCF-style: chr17-29496929-G-C.
Other names: c.500G>C, p.Cys167Ser (NM_000267.4, NM_001128147.3); short protein forms C167S.
Identifiers: ClinVar variation 1488343 (VCV001488343.8), dbSNP rs2143707075, ClinGen allele CA398984819.

ClinVar aggregate classification (germline): Uncertain significance (1 of 4 stars; one submission).

Conditions:
Neurofibromatosis, type 1 (NF1). Also called: NEUROFIBROMATOSIS, TYPE I, SOMATIC; Neurofibromatosis, type I; VON RECKLINGHAUSEN DISEASE; Peripheral type neurofibromatosis. Identifiers: Orphanet 636, MedGen C0027831, MONDO:0018975, OMIM 162200. Disease mechanism: loss of function.

Submission:

Labcorp Genetics (formerly Invitae), Labcorp
Classification: Uncertain significance for Neurofibromatosis, type 1. Last evaluated: 2020-11-24. Review status: criteria provided, single submitter. Criteria: Invitae Variant Classification Sherloc (09022015). Collection method: clinical testing. Allele origin: germline.
Comment: Advanced modeling of protein sequence and biophysical properties (such as structural, functional, and spatial information, amino acid conservation, physicochemical variation, residue mobility, and thermodynamic stability) performed at Invitae indicates that this missense variant is expected to disrupt NF1 protein function. This variant has not been reported in the literature in individuals with NF1-related conditions. This variant is not present in population databases (ExAC no frequency). This sequence change replaces cysteine with serine at codon 167 of the NF1 protein (p.Cys167Ser). The cysteine residue is highly conserved and there is a moderate physicochemical difference between cysteine and serine. In summary, the available evidence is currently insufficient to determine the role of this variant in disease. Therefore, it has been classified as a Variant of Uncertain Significance.